The following is an entry in ClinVar:

NM_017415.3(KLHL3):c.1653G>C (p.Leu551Phe)

Gene: KLHL3 (kelch like family member 3; minus strand). Cytogenetic location: 5q31.2.
Variant type: single nucleotide variant.
Coding change: c.1653G>C on transcript NM_017415.3 (MANE Select); coding-DNA position 1653, G replaced by C.
Protein change: p.Leu551Phe; replaces leucine 551 with phenylalanine.
Molecular consequence: missense variant.
Genome position (GRCh38, 1-based): chr5:137,625,835, C>G on the plus strand (G>C on the coding strand, the complement: KLHL3 is on the minus strand). VCF-style: chr5-137625835-C-G. GRCh37 (hg19) VCF-style: chr5-136961524-C-G.
Other names: c.1557G>C, p.Leu519Phe (NM_001257194.1); c.1407G>C, p.Leu469Phe (NM_001257195.2); short protein forms L469F, L519F, L551F.
Identifiers: ClinVar variation 3777579 (VCV003777579.1).

ClinVar aggregate classification (germline): Uncertain significance (1 of 4 stars; one submission).

Submission:

GeneDx
Classification: Uncertain significance. Last evaluated: 2024-10-13. Review status: criteria provided, single submitter. Criteria: GeneDx Variant Classification Process June 2021. Collection method: clinical testing. Allele origin: germline. Affected: yes.
Comment: Not observed at significant frequency in large population cohorts (gnomAD); In silico analysis supports that this missense variant has a deleterious effect on protein structure/function; Has not been previously published as pathogenic or benign to our knowledge